The following is an entry in ClinVar:

NM_015386.3(COG4):c.397G>A (p.Ala133Thr)

Gene: COG4 (component of oligomeric golgi complex 4; minus strand). Cytogenetic location: 16q22.1.
Variant type: single nucleotide variant.
Coding change: c.397G>A on transcript NM_015386.3 (MANE Select); coding-DNA position 397, G replaced by A.
Protein change: p.Ala133Thr; replaces alanine 133 with threonine.
Molecular consequence: missense variant. On other transcripts: 5 prime UTR variant (1), non-coding transcript variant (1).
Genome position (GRCh38, 1-based): chr16:70,514,482, C>T on the plus strand (G>A on the coding strand, the complement: COG4 is on the minus strand). VCF-style: chr16-70514482-C-T. GRCh37 (hg19) VCF-style: chr16-70548385-C-T.
Other names: c.385G>A, p.Ala129Thr (NM_001195139.2); c.-30G>A (NM_001365426.1); short protein forms A133T, A129T.
Identifiers: ClinVar variation 2052380 (VCV002052380.4), dbSNP rs752999094, ClinGen allele CA8144681.

ClinVar aggregate classification (germline): Uncertain significance (1 of 4 stars; one submission).

Conditions:
COG4-congenital disorder of glycosylation. Also called: COG4-CDG; CONGENITAL DISORDER OF GLYCOSYLATION, TYPE IIj; CDG IIj. Identifiers: Orphanet 263501, MedGen C4303552, MONDO:0013281, OMIM 613489.

Allele frequency attached by ClinVar (database versions not stated): gnomAD exomes 0.00002; gnomAD 0.00004; TOPMed 0.00004; ExAC 0.00006.
gnomAD v4.1: 37 of 1,614,028 alleles (0.0023%); highest among the groups gnomAD compares: Middle Eastern, 0.016%; no homozygotes.

Submission:

Labcorp Genetics (formerly Invitae), Labcorp
Classification: Uncertain significance for COG4-congenital disorder of glycosylation. Last evaluated: 2022-08-23. Review status: criteria provided, single submitter. Criteria: Invitae Variant Classification Sherloc (09022015). Collection method: clinical testing. Allele origin: germline.
Comment: In summary, the available evidence is currently insufficient to determine the role of this variant in disease. Therefore, it has been classified as a Variant of Uncertain Significance. Algorithms developed to predict the effect of missense changes on protein structure and function (SIFT, PolyPhen-2, Align-GVGD) all suggest that this variant is likely to be tolerated. This variant has not been reported in the literature in individuals affected with COG4-related conditions. This variant is present in population databases (rs752999094, gnomAD 0.01%). This sequence change replaces alanine, which is neutral and non-polar, with threonine, which is neutral and polar, at codon 133 of the COG4 protein (p.Ala133Thr).